The following is an entry in ClinVar:

NM_144991.3(TSPEAR):c.1139T>A (p.Ile380Asn)

Gene: TSPEAR (thrombospondin type laminin G domain and EAR repeats; minus strand). Cytogenetic location: 21q22.3.
Variant type: single nucleotide variant.
Coding change: c.1139T>A on transcript NM_144991.3 (MANE Select); coding-DNA position 1139, T replaced by A.
Protein change: p.Ile380Asn; replaces isoleucine 380 with asparagine.
Molecular consequence: missense variant.
Genome position (GRCh38, 1-based): chr21:44,527,302, A>T on the plus strand (T>A on the coding strand, the complement: TSPEAR is on the minus strand). VCF-style: chr21-44527302-A-T. GRCh37 (hg19) VCF-style: chr21-45947185-A-T.
Other names: c.935T>A, p.Ile312Asn (NM_001272037.2); short protein forms I312N, I380N.
Identifiers: ClinVar variation 4985841 (VCV004985841.1).

ClinVar aggregate classification (germline): Uncertain significance (1 of 4 stars; one submission).

Conditions:
TSPEAR-related disorder. Also called: TSPEAR-related condition.

gnomAD v4.1: 1 of 1,613,974 alleles (0.000062%); highest among the groups gnomAD compares: Non-Finnish European, 0.000085%; no homozygotes.

Submission:

PreventionGenetics, part of Exact Sciences
Classification: Uncertain significance for TSPEAR-related condition. Last evaluated: 2025-08-16. Review status: criteria provided, single submitter. Criteria: ACMG Guidelines, 2015. Collection method: clinical testing. Allele origin: germline.
Comment: The TSPEAR c.1139T>A variant is predicted to result in the amino acid substitution p.Ile380Asn. To our knowledge, this variant has not been reported in the literature. This variant is reported in 0.00088% of alleles in individuals of European (Non-Finnish) descent in gnomAD. At this time, the clinical significance of this variant is uncertain due to the absence of conclusive functional and genetic evidence.